The following is an entry in ClinVar:

ClinVar aggregate classification (germline): Conflicting classifications of pathogenicity. Review status: criteria provided, conflicting classifications (1 of 4 stars). 5 submissions from 5 submitters: Uncertain significance (3); Likely benign (1). 1 of the submissions does not count toward it. Last evaluated 2026-09-11.

Conditions:
Retinal dystrophy. Also called: Inherited retinal dystrophy. Identifiers: Orphanet 71862, MedGen C0854723, MeSH D058499, MONDO:0019118, HP:0000556.
IFT140-related disorder. Also called: IFT140-related condition.
Saldino-Mainzer syndrome (SRTD9). Also called: SHORT-RIB THORACIC DYSPLASIA 9 WITHOUT POLYDACTYLY; short-rib thoracic dysplasia 9 with or without polydactyly; CONORENAL SYNDROME; Renal dysplasia, retinal pigmentary dystrophy, cerebellar ataxia and skeletal dysplasia. Identifiers: Orphanet 140969, MedGen C1849437, MONDO:0009964, OMIM 266920.

Allele frequency attached by ClinVar (database versions not stated): gnomAD 0.00007 and 0.00009.
gnomAD v4.1: 130 of 1,612,848 alleles (0.0081%); highest among the groups gnomAD compares: Admixed American, 0.03%; no homozygotes.

Submissions (5):

PreventionGenetics, part of Exact Sciences
Classification: Uncertain significance for IFT140-related condition. Last evaluated: 2026-09-11. Review status: criteria provided, single submitter. Criteria: ACMG Guidelines, 2015. Collection method: clinical testing. Allele origin: germline.
Comment: The IFT140 c.2920G>A variant is predicted to result in the amino acid substitution p.Ala974Thr. To our knowledge, this variant has not been reported in the literature. The p.Ala974 residue is highly conserved and the REVEL (rare exome variant ensemble learner) program predicts this variant is pathogenic at a "support" level (Ioannidis et al. 2016. PubMed ID: 27666373; Bergquist et al. 2025. PubMed ID: 40084623). Of note, a different substitution at the same codon, defined as c.2921C>T (p.Ala974Val), was reported with another missense variant in an individual with non‑syndromic retinal degeneration (Xu et al. 2015. PubMed ID: 26216056). Loss-of-function of IFT140 is the disease causing mechanism for both autosomal dominant and recessive IFT140-related disorders. The c.2920G>A (p.Ala974Thr) variant is reported in 0.048% of alleles in individuals of Latino descent in gnomAD. At this time, the clinical significance of this variant is uncertain due to the absence of conclusive functional and genetic evidence.

Labcorp Genetics (formerly Invitae), Labcorp
Classification: Likely benign for Saldino-Mainzer syndrome. Last evaluated: 2026-02-01. Review status: criteria provided, single submitter. Criteria: Invitae Variant Classification Sherloc (09022015). Collection method: clinical testing. Allele origin: germline.

Blueprint Genetics
Classification: Uncertain significance. Last evaluated: 2023-07-07. Review status: criteria provided, single submitter. Criteria: ACMG Guidelines, 2015. Collection method: clinical testing. Allele origin: germline.

GeneDx
Classification: Uncertain significance. Last evaluated: 2020-02-03. Review status: criteria provided, single submitter. Criteria: GeneDx Variant Classification Process June 2021. Collection method: clinical testing. Allele origin: germline. Affected: yes.
Comment: In silico analysis supports that this missense variant has a deleterious effect on protein structure/function; Has not been previously published as pathogenic or benign to our knowledge

Institute of Human Genetics, Univ. Regensburg, Univ. Regensburg
Classification: Uncertain significance for Retinal dystrophy. Last evaluated: 2019-01-01. Review status: no assertion criteria provided. Criteria: ACMG Guidelines, 2015. Collection method: clinical testing. Allele origin: germline. Affected: yes. Not counted in ClinVar's aggregate classification.

NM_014714.4(IFT140):c.2920G>A (p.Ala974Thr)

Genes: IFT140 (intraflagellar transport 140; minus strand), LOC126862260 (CDK7 strongly-dependent group 2 enhancer GRCh37_chr16:1574508-1575707; plus strand). Cytogenetic location: 16p13.3.
Variant type: single nucleotide variant.
Coding change: c.2920G>A on transcript NM_014714.4 (MANE Select); coding-DNA position 2920, G replaced by A.
Protein change: p.Ala974Thr; replaces alanine 974 with threonine.
Molecular consequence: missense variant.
Genome position (GRCh38, 1-based): chr16:1,524,861, C>T on the plus strand (G>A on the coding strand, the complement: IFT140 is on the minus strand). VCF-style: chr16-1524861-C-T. GRCh37 (hg19) VCF-style: chr16-1574862-C-T.
Other names: short protein forms A974T.
Identifiers: ClinVar variation 962705 (VCV000962705.11), dbSNP rs769420945, ClinGen allele CA7813421.